The following is an entry in ClinVar:

ClinVar aggregate classification (germline): Likely pathogenic (1 of 4 stars; one submission).

Conditions:
Leukodystrophy, hypomyelinating, 2. Also called: PELIZAEUS-MERZBACHER-LIKE DISEASE, 1. Identifiers: Orphanet 280270, Orphanet 280282, MedGen C1837355, MONDO:0012125, OMIM 608804.

Submission:

Molecular Diagnostics Lab, Nemours Children's Health, Delaware
Classification: Likely pathogenic for Leukodystrophy, hypomyelinating, 2. Last evaluated: 2021-04-16. Review status: criteria provided, single submitter. Criteria: ACMG Guidelines, 2015. Collection method: clinical testing. Allele origin: unknown. Inheritance: Autosomal recessive inheritance. Affected: yes. Observed: 2 compound heterozygotes.
Comment: This variant (c.196_201del, p.Val66_Cys67del) predicts an in-frame deletion of two amino acids. This deletion has not been observed in population databases (gnomAD). It has not been described in the literature and no functional studies have been published.

NM_020435.4(GJC2):c.196_201del (p.Val66_Cys67del)

Gene: GJC2 (gap junction protein gamma 2; plus strand). Cytogenetic location: 1q42.13.
Variant type: Deletion.
Coding change: c.196_201del on transcript NM_020435.4 (MANE Select); coding-DNA positions 196 to 201, 6 bases deleted (GTCTGC; older notation c.196_201delGTCTGC).
Protein change: p.Val66_Cys67del.
Molecular consequence: inframe deletion.
Genome position (GRCh38, 1-based): chr1:228,157,954-228,157,959, GTCTGC deleted; deleting any 6 consecutive bases within chr1:228,157,953-228,157,959 gives the same sequence; the c. name uses the placement nearest the transcript's 3' end. VCF-style (leftmost placement, unchanged base first): chr1-228157952-ACGTCTG-A. GRCh37 (hg19) VCF-style: chr1-228345653-ACGTCTG-A.
Identifiers: ClinVar variation 3336780 (VCV003336780.2).
Genomic context (GRCh38, chr1:228,157,952, plus strand): 5'-CCATCTACTCGGACGAGCAGGCCAAGTTCACTTGCAACACGCGGCAGCCAGGCTGCGACA[ACGTCTG>A]CTATGACGCCTTCGCGCCCCTGTCGCACGTGCGCTTCTGGGTCTTCCAGATTGTGGTCAT-3'